The following is an entry in ClinVar:

ClinVar aggregate classification (germline): Benign (0 of 4 stars; one submission).

Conditions:
PRRC2A-related disorder. Also called: PRRC2A-related condition.

Allele frequency attached by ClinVar (database versions not stated): gnomAD exomes 0.00042; ExAC 0.00115; 1000 Genomes Project 30x 0.00234; 1000 Genomes Project 0.00280; gnomAD 0.00320; TOPMed 0.00382; ESP Exome Variant Server 0.00391.
gnomAD v4.1: 1,127 of 1,613,034 alleles (0.07%); highest among the groups gnomAD compares: African/African-American, 0.89%; 7 homozygotes.

Submission:

PreventionGenetics, part of Exact Sciences
Classification: Benign for PRRC2A-related condition. Last evaluated: 2019-03-12. Review status: no assertion criteria provided. Collection method: clinical testing. Allele origin: germline.
Comment: This variant is classified as benign based on ACMG/AMP sequence variant interpretation guidelines (Richards et al. 2015 PMID: 25741868, with internal and published modifications).

NM_004638.4(PRRC2A):c.5713T>C (p.Ser1905Pro)

Gene: PRRC2A (proline rich coiled-coil 2A; plus strand). Cytogenetic location: 6p21.33.
Variant type: single nucleotide variant.
Coding change: c.5713T>C on transcript NM_004638.4 (MANE Select); coding-DNA position 5713, T replaced by C.
Protein change: p.Ser1905Pro; replaces serine 1905 with proline.
Molecular consequence: missense variant.
Genome position (GRCh38, 1-based): chr6:31,636,297, T>C. VCF-style: chr6-31636297-T-C. GRCh37 (hg19) VCF-style: chr6-31604074-T-C.
Other names: c.5713T>C, p.Ser1905Pro (NM_080686.3); short protein forms S1905P.
Identifiers: ClinVar variation 3043953 (VCV003043953.2), dbSNP rs116245632, ClinGen allele CA3716618.